The following is an entry in ClinVar:

NM_001110556.2(FLNA):c.5217+13G>T

Gene: FLNA (filamin A; minus strand). Cytogenetic location: Xq28.
Variant type: single nucleotide variant.
Coding change: c.5217+13G>T on transcript NM_001110556.2 (MANE Select); 13 bases into the intron after coding-DNA position 5217, G replaced by T.
Molecular consequence: intron variant.
Genome position (GRCh38, 1-based): chrX:154,354,812, C>A on the plus strand (G>T on the coding strand, the complement: FLNA is on the minus strand). VCF-style: chrX-154354812-C-A. GRCh37 (hg19) VCF-style: chrX-153583180-C-A.
Other names: c.5193+13G>T (NM_001456.4).
Identifiers: ClinVar variation 514307 (VCV000514307.16), dbSNP rs370737630, ClinGen allele CA10560369.

ClinVar aggregate classification (germline): Benign/Likely benign. Review status: criteria provided, multiple submitters, no conflicts (2 of 4 stars). 4 submissions from 4 submitters: Benign (1); Likely benign (3). Last evaluated 2025-12-29.

Conditions:
Melnick-Needles syndrome (MNS). Also called: MELNICK-NEEDLES OSTEODYSPLASTY; Melnick-Needles Syndrome (FLNA-MNS); OSTEODYSPLASTY OF MELNICK AND NEEDLES. Identifiers: Orphanet 2484, MedGen C0025237, MONDO:0010650, OMIM 309350.
Frontometaphyseal dysplasia (FMD1). Identifiers: Orphanet 1826, MedGen C0265293, MONDO:0015942.
Heterotopia, periventricular, X-linked dominant (PVNH1). Also called: PERIVENTRICULAR NODULAR HETEROTOPIA 4; HETEROTOPIA, PERIVENTRICULAR, 1; PERIVENTRICULAR NODULAR HETEROTOPIA 1; X-linked periventricular heterotopia. Identifiers: Orphanet 2149, Orphanet 82004, MedGen C1848213, MONDO:0010233, OMIM 300049.
Oto-palato-digital syndrome, type II (OPD2). Also called: Otopalatodigital Syndrome Type 2 (FLNA-OPD2); FACIOPALATOOSSEOUS SYNDROME; OPD II SYNDROME; Otopalatodigital Syndrome, Type II. Identifiers: Orphanet 669, Orphanet 90652, MedGen C1844696, MONDO:0010571, OMIM 304120.

Allele frequency attached by ClinVar (database versions not stated): TOPMed 0.00018.
gnomAD v4.1: 147 of 1,210,452 alleles (0.012%); highest among the groups gnomAD compares: Non-Finnish European, 0.016%; no homozygotes.

Submissions (4):

Labcorp Genetics (formerly Invitae), Labcorp
Classification: Likely benign for Oto-palato-digital syndrome, type II; Heterotopia, periventricular, X-linked dominant; Frontometaphyseal dysplasia; Melnick-Needles syndrome. Last evaluated: 2025-12-29. Review status: criteria provided, single submitter. Criteria: Invitae Variant Classification Sherloc (09022015). Collection method: clinical testing. Allele origin: germline.

Women's Health and Genetics/Laboratory Corporation of America, LabCorp
Classification: Benign. Last evaluated: 2024-04-14. Review status: criteria provided, single submitter. Criteria: LabCorp Variant Classification Summary - May 2015. Collection method: clinical testing. Allele origin: germline.

ARUP Laboratories, Molecular Genetics and Genomics, ARUP Laboratories
Classification: Likely benign. Last evaluated: 2022-01-13. Review status: criteria provided, single submitter. Criteria: ARUP Molecular Germline Variant Investigation Process 2021. Collection method: clinical testing. Allele origin: germline.

GeneDx
Classification: Likely benign. Last evaluated: 2017-12-27. Review status: criteria provided, single submitter. Criteria: GeneDx Variant Classification (06012015). Collection method: clinical testing. Allele origin: germline. Affected: yes.
Comment: This variant is considered likely benign or benign based on one or more of the following criteria: it is a conservative change, it occurs at a poorly conserved position in the protein, it is predicted to be benign by multiple in silico algorithms, and/or has population frequency not consistent with disease.